The following is an entry in ClinVar:

NM_003072.5(SMARCA4):c.980C>T (p.Pro327Leu)

Gene: SMARCA4 (SWI/SNF related BAF chromatin remodeling complex subunit ATPase 4; plus strand). Cytogenetic location: 19p13.2.
Variant type: single nucleotide variant.
Coding change: c.980C>T on transcript NM_003072.5 (MANE Select); coding-DNA position 980, C replaced by T.
Protein change: p.Pro327Leu; replaces proline 327 with leucine.
Molecular consequence: missense variant. On other transcripts: non-coding transcript variant (1).
Genome position (GRCh38, 1-based): chr19:10,987,786, C>T. VCF-style: chr19-10987786-C-T. GRCh37 (hg19) VCF-style: chr19-11098462-C-T.
Other names: c.980C>T (NM_001128849.1); c.980C>T, p.Pro327Leu (NM_001128844.3, NM_001128845.2, NM_001128846.2 and 5 more transcripts); short protein forms P327L.
Identifiers: ClinVar variation 1448148 (VCV001448148.9), dbSNP rs1236526844, ClinGen allele CA404058571.

ClinVar aggregate classification (germline): Uncertain significance. Review status: criteria provided, multiple submitters, no conflicts (2 of 4 stars). 2 submissions from 2 submitters: Uncertain significance (2). Last evaluated 2024-02-22.

Conditions:
Rhabdoid tumor predisposition syndrome 2 (RTPS2). Identifiers: Orphanet 231108, Orphanet 69077, MedGen C2750074, MONDO:0013224, OMIM 613325.
Hereditary cancer-predisposing syndrome. Also called: Hereditary Cancer Syndrome; Hereditary neoplastic syndrome; Neoplastic Syndromes, Hereditary; Tumor predisposition. Identifiers: Orphanet 140162, MedGen C0027672, MeSH D009386, MONDO:0015356.

Allele frequency attached by ClinVar (database versions not stated): TOPMed below 0.00001.

Submissions (2):

Labcorp Genetics (formerly Invitae), Labcorp
Classification: Uncertain significance for Rhabdoid tumor predisposition syndrome 2. Last evaluated: 2024-02-22. Review status: criteria provided, single submitter. Criteria: Invitae Variant Classification Sherloc (09022015). Collection method: clinical testing. Allele origin: germline.
Comment: This sequence change replaces proline, which is neutral and non-polar, with leucine, which is neutral and non-polar, at codon 327 of the SMARCA4 protein (p.Pro327Leu). This variant is not present in population databases (gnomAD no frequency). This variant has not been reported in the literature in individuals affected with SMARCA4-related conditions. ClinVar contains an entry for this variant (Variation ID: 1448148). Advanced modeling of protein sequence and biophysical properties (such as structural, functional, and spatial information, amino acid conservation, physicochemical variation, residue mobility, and thermodynamic stability) has been performed at Invitae for this missense variant, however the output from this modeling did not meet the statistical confidence thresholds required to predict the impact of this variant on SMARCA4 protein function. In summary, the available evidence is currently insufficient to determine the role of this variant in disease. Therefore, it has been classified as a Variant of Uncertain Significance.

Ambry Genetics
Classification: Uncertain significance for Hereditary cancer-predisposing syndrome. Last evaluated: 2023-01-13. Review status: criteria provided, single submitter. Criteria: Ambry Variant Classification Scheme 2023. Collection method: clinical testing. Allele origin: germline.
Comment: The p.P327L variant (also known as c.980C>T), located in coding exon 5 of the SMARCA4 gene, results from a C to T substitution at nucleotide position 980. The proline at codon 327 is replaced by leucine, an amino acid with similar properties. This amino acid position is well conserved in available vertebrate species. In addition, the in silico prediction for this alteration is inconclusive. Missense and in-frame variants in SMARCA4 are known to cause neurodevelopmental disorders; however, such associations with rhabdoid tumor predisposition syndrome including small cell carcinoma of the ovary-hypercalcemic type (SCCOHT) are exceedingly rare (Kosho T et al. Am J Med Genet C Semin Med Genet. 2014 Sep;166C(3):262-75; Jelinic P et al. Nat Genet. 2014 May;46(5):424-6). Based on the supporting evidence, the association of this alteration with Coffin-Siris syndrome is unknown; however, the association of this alteration with rhabdoid tumor predisposition syndrome is unlikely.